The following is an entry in ClinVar:

NM_025099.6(CTC1):c.22G>C (p.Val8Leu)

Genes: PFAS (phosphoribosylformylglycinamidine synthase; plus strand), CTC1 (CST telomere replication complex component 1; minus strand). Cytogenetic location: 17p13.1.
Variant type: single nucleotide variant.
Coding change: c.22G>C on transcript NM_025099.6 (MANE Select); coding-DNA position 22, G replaced by C.
Protein change: p.Val8Leu; replaces valine 8 with leucine.
Molecular consequence: missense variant. On other transcripts: non-coding transcript variant (1).
Genome position (GRCh38, 1-based): chr17:8,248,015, C>G on the plus strand (G>C on the coding strand, the complement: CTC1 is on the minus strand). VCF-style: chr17-8248015-C-G. GRCh37 (hg19) VCF-style: chr17-8151333-C-G.
Other names: short protein forms V8L.
Identifiers: ClinVar variation 845192 (VCV000845192.9), dbSNP rs1233799443, ClinGen allele CA397999465.

ClinVar aggregate classification (germline): Uncertain significance (1 of 4 stars; one submission).

Conditions:
Dyskeratosis congenita. Identifiers: Orphanet 1775, MedGen C0265965, MONDO:0015780.

Submission:

Labcorp Genetics (formerly Invitae), Labcorp
Classification: Uncertain significance for Dyskeratosis congenita. Last evaluated: 2022-08-23. Review status: criteria provided, single submitter. Criteria: Invitae Variant Classification Sherloc (09022015). Collection method: clinical testing. Allele origin: germline.
Comment: Algorithms developed to predict the effect of missense changes on protein structure and function (SIFT, PolyPhen-2, Align-GVGD) all suggest that this variant is likely to be tolerated. This sequence change replaces valine, which is neutral and non-polar, with leucine, which is neutral and non-polar, at codon 8 of the CTC1 protein (p.Val8Leu). This variant is not present in population databases (gnomAD no frequency). This variant has not been reported in the literature in individuals affected with CTC1-related conditions. ClinVar contains an entry for this variant (Variation ID: 845192). In summary, the available evidence is currently insufficient to determine the role of this variant in disease. Therefore, it has been classified as a Variant of Uncertain Significance.